The following is an entry in ClinVar:

NM_024876.4(COQ8B):c.800-206C>T

Gene: COQ8B (coenzyme Q8B; minus strand). Cytogenetic location: 19q13.2.
Variant type: single nucleotide variant.
Coding change: c.800-206C>T on transcript NM_024876.4 (MANE Select); 206 bases into the intron before coding-DNA position 800, C replaced by T.
Molecular consequence: intron variant.
Genome position (GRCh38, 1-based): chr19:40,702,899, G>A on the plus strand (C>T on the coding strand, the complement: COQ8B is on the minus strand). VCF-style: chr19-40702899-G-A. GRCh37 (hg19) VCF-style: chr19-41208804-G-A.
Other names: c.677-206C>T (NM_001142555.3).
Identifiers: ClinVar variation 683202 (VCV000683202.1), dbSNP rs2604887, ClinGen allele CA14733261.

ClinVar aggregate classification (germline): Benign (1 of 4 stars; one submission).

Allele frequency attached by ClinVar (database versions not stated): gnomAD 0.46285 and 0.46714; TOPMed 0.46408; 1000 Genomes Project 0.46645.
gnomAD v4.1: 70,821 of 151,404 alleles (47%); highest among the groups gnomAD compares: Admixed American, 58%; 17,224 homozygotes.

Submission:

GeneDx
Classification: Benign. Last evaluated: 2018-06-14. Review status: criteria provided, single submitter. Criteria: GeneDx Variant Classification (06012015). Collection method: clinical testing. Allele origin: germline. Affected: yes.
Comment: This variant is considered likely benign or benign based on one or more of the following criteria: it is a conservative change, it occurs at a poorly conserved position in the protein, it is predicted to be benign by multiple in silico algorithms, and/or has population frequency not consistent with disease.